The following is an entry in ClinVar:

NM_014384.3(ACAD8):c.842-8C>G

Gene: ACAD8 (acyl-CoA dehydrogenase family member 8; plus strand). Cytogenetic location: 11q25.
Variant type: single nucleotide variant.
Coding change: c.842-8C>G on transcript NM_014384.3 (MANE Select); 8 bases into the intron before coding-DNA position 842, C replaced by G.
Molecular consequence: intron variant.
Genome position (GRCh38, 1-based): chr11:134,261,267, C>G. VCF-style: chr11-134261267-C-G. GRCh37 (hg19) VCF-style: chr11-134131161-C-G.
Identifiers: ClinVar variation 303683 (VCV000303683.60), dbSNP rs201188279, ClinGen allele CA6373111.

ClinVar aggregate classification (germline): Benign/Likely benign. Review status: criteria provided, multiple submitters, no conflicts (2 of 4 stars). 4 submissions from 4 submitters: Benign (1); Likely benign (3). Last evaluated 2026-02-03.

Conditions:
Deficiency of isobutyryl-CoA dehydrogenase. Also called: IBD DEFICIENCY; ACYL-CoA DEHYDROGENASE FAMILY, MEMBER 8, DEFICIENCY OF; ACAD8 DEFICIENCY. Identifiers: Orphanet 79159, MedGen C1969809, MONDO:0012648, OMIM 611283.

Allele frequency attached by ClinVar (database versions not stated): 1000 Genomes Project 30x 0.00016; 1000 Genomes Project 0.00020; TOPMed 0.00133; gnomAD exomes 0.00169; ExAC 0.00181; ESP Exome Variant Server 0.00192; gnomAD 0.00217 and 0.00227.
gnomAD v4.1: 3,131 of 1,614,166 alleles (0.19%); highest among the groups gnomAD compares: Non-Finnish European, 0.24%; 5 homozygotes.

Submissions (14):

Labcorp Genetics (formerly Invitae), Labcorp
Classification: Benign for Deficiency of isobutyryl-CoA dehydrogenase. Last evaluated: 2026-02-03. Review status: criteria provided, single submitter. Criteria: Invitae Variant Classification Sherloc (09022015). Collection method: clinical testing. Allele origin: germline.

Blueprint Genetics
Classification: Likely benign. Last evaluated: 2024-11-19. Review status: criteria provided, single submitter. Criteria: ACMG Guidelines, 2015. Collection method: clinical testing. Allele origin: germline.

Illumina Laboratory Services, Illumina
Classification: Likely benign for Deficiency of isobutyryl-CoA dehydrogenase. Last evaluated: 2018-01-13. Review status: criteria provided, single submitter. Criteria: ICSL Variant Classification Criteria 13 December 2019. Collection method: clinical testing. Allele origin: germline.
Comment: This variant was observed in the ICSL laboratory as part of a predisposition screen in an ostensibly healthy population. It had not been previously curated by ICSL or reported in the Human Gene Mutation Database (HGMD: prior to June 1st, 2018), and was therefore a candidate for classification through an automated scoring system. Utilizing variant allele frequency, disease prevalence and penetrance estimates, and inheritance mode, an automated score was calculated to assess if this variant is too frequent to cause the disease. Based on the score and internal cut-off values, a variant classified as likely benign is not then subjected to further curation. The score for this variant resulted in a classification of likely benign for this disease.

CeGaT Center for Human Genetics Tuebingen
Classification: Likely benign. Last evaluated: 2016-06-01. Review status: criteria provided, single submitter. Criteria: CeGaT Center For Human Genetics Tuebingen Variant Classification Criteria Version 2. Collection method: clinical testing. Allele origin: germline. Affected: yes. Observed: 1 variant allele.

Dr. Peter K. Rogan Lab, Western University
No classification provided (evidence only). Condition: Lung cancer. Review status: no classification provided. Collection method: in vitro. Allele origin: not applicable. Functional consequence: retained intron. Not counted in ClinVar's aggregate classification.

Dr. Peter K. Rogan Lab, Western University
No classification provided (evidence only). Condition: Familial cancer of breast. Review status: no classification provided. Collection method: in vitro. Allele origin: not applicable. Functional consequence: retained intron. Not counted in ClinVar's aggregate classification.

Dr. Peter K. Rogan Lab, Western University
No classification provided (evidence only). Condition: Familial cancer of breast. Review status: no classification provided. Collection method: in vitro. Allele origin: not applicable. Functional consequence: retained intron. Not counted in ClinVar's aggregate classification.

Dr. Peter K. Rogan Lab, Western University
No classification provided (evidence only). Condition: Familial cancer of breast. Review status: no classification provided. Collection method: in vitro. Allele origin: not applicable. Functional consequence: retained intron. Not counted in ClinVar's aggregate classification.

Dr. Peter K. Rogan Lab, Western University
No classification provided (evidence only). Condition: Familial cancer of breast. Review status: no classification provided. Collection method: in vitro. Allele origin: not applicable. Functional consequence: retained intron. Not counted in ClinVar's aggregate classification.

Dr. Peter K. Rogan Lab, Western University
No classification provided (evidence only). Condition: Acute myeloid leukemia. Review status: no classification provided. Collection method: in vitro. Allele origin: not applicable. Functional consequence: retained intron. Not counted in ClinVar's aggregate classification.

Dr. Peter K. Rogan Lab, Western University
No classification provided (evidence only). Condition: Uterine corpus endometrial carcinoma. Review status: no classification provided. Collection method: in vitro. Allele origin: not applicable. Functional consequence: retained intron. Not counted in ClinVar's aggregate classification.

Dr. Peter K. Rogan Lab, Western University
No classification provided (evidence only). Condition: Ovarian serous cystadenocarcinoma. Review status: no classification provided. Collection method: in vitro. Allele origin: not applicable. Functional consequence: retained intron. Not counted in ClinVar's aggregate classification.

Dr. Peter K. Rogan Lab, Western University
No classification provided (evidence only). Condition: Gastric cancer. Review status: no classification provided. Collection method: in vitro. Allele origin: not applicable. Functional consequence: retained intron. Not counted in ClinVar's aggregate classification.

Dr. Peter K. Rogan Lab, Western University
No classification provided (evidence only). Condition: Gastric cancer. Review status: no classification provided. Collection method: in vitro. Allele origin: not applicable. Functional consequence: retained intron. Not counted in ClinVar's aggregate classification.